The following is an entry in ClinVar:

NM_058172.6(ANTXR2):c.241T>C (p.Ser81Pro)

Gene: ANTXR2 (ANTXR cell adhesion molecule 2; minus strand). Cytogenetic location: 4q21.21.
Variant type: single nucleotide variant.
Coding change: c.241T>C on transcript NM_058172.6 (MANE Select); coding-DNA position 241, T replaced by C.
Protein change: p.Ser81Pro; replaces serine 81 with proline.
Molecular consequence: missense variant.
Genome position (GRCh38, 1-based): chr4:80,069,491, A>G on the plus strand (T>C on the coding strand, the complement: ANTXR2 is on the minus strand). VCF-style: chr4-80069491-A-G. GRCh37 (hg19) VCF-style: chr4-80990645-A-G.
Other names: c.241T>C, p.Ser81Pro (NM_001145794.2); c.10T>C, p.Ser4Pro (NM_001286780.2, NM_001286781.2); short protein forms S81P, S4P.
Identifiers: ClinVar variation 209133 (VCV000209133.2), dbSNP rs797045029, ClinGen allele CA276122.

ClinVar aggregate classification (germline): Likely pathogenic (1 of 4 stars; one submission).

Conditions:
Hyaline fibromatosis syndrome (HFS). Also called: HYALINOSIS, SYSTEMIC; Hyalinosis, Inherited Systemic. Identifiers: Orphanet 2028, Orphanet 498474, MedGen C5574677, MONDO:0009229, OMIM 228600.

Allele frequency attached by ClinVar (database versions not stated): gnomAD exomes below 0.00001.
gnomAD v4.1: 1 of 1,603,452 alleles (0.000062%); highest among the groups gnomAD compares: Non-Finnish European, 0.000085%; no homozygotes.

Submission:

Baylor Genetics
Classification: Likely pathogenic for Hyaline fibromatosis syndrome. Last evaluated: 2013-07-08. Review status: criteria provided, single submitter. Criteria: Yang et al. 2013. Collection method: clinical testing. Allele origin: paternal. Inheritance: Autosomal recessive inheritance. Affected: yes. Observed: 1 variant allele, 1 compound heterozygote. Study: Adult_WES.
Comment: At time of reporting, this variant was novel.

Literature cited by the submitters: PubMed 26633545.